The following is an entry in ClinVar:

ClinVar aggregate classification (germline): Uncertain significance (1 of 4 stars; one submission).

Conditions:
Breast-ovarian cancer, familial, susceptibility to, 1 (BROVCA1). Also called: BRCA1 Hereditary Breast and Ovarian Cancer; OVARIAN CANCER, SUSCEPTIBILITY TO. Identifiers: Orphanet 145, MedGen C2676676, MONDO:0011450, OMIM 604370. Disease mechanism: loss of function.

Allele frequency attached by ClinVar (database versions not stated): gnomAD exomes below 0.00001; ExAC 0.00001.
gnomAD v4.1: 1 of 1,614,128 alleles (0.000062%); highest among the groups gnomAD compares: Non-Finnish European, 0.000085%; no homozygotes.

Submissions (2):

Baylor Genetics
Classification: Uncertain significance for Breast-ovarian cancer, familial, susceptibility to, 1. Last evaluated: 2024-01-09. Review status: criteria provided, single submitter. Criteria: ACMG Guidelines, 2015. Collection method: clinical testing. Allele origin: unknown.

Brotman Baty Institute, University of Washington
No classification provided (evidence only). Condition: Breast-ovarian cancer, familial 1. Review status: no classification provided. Collection method: in vitro. Allele origin: not applicable. Functional consequence: functionally_normal. Not counted in ClinVar's aggregate classification.
ClinVar note: "not provided" was previously submitted as the classification for the variant. However, the classification appeared to be based only on an observation of functional data so it was converted to no classification on 2025-07-30.

NM_007294.4(BRCA1):c.5491C>A (p.Pro1831Thr)

Gene: BRCA1 (BRCA1 DNA repair associated; minus strand). Cytogenetic location: 17q21.31.
Variant type: single nucleotide variant.
Coding change: c.5491C>A on transcript NM_007294.4 (MANE Select); coding-DNA position 5491, C replaced by A.
Protein change: p.Pro1831Thr; replaces proline 1831 with threonine.
Molecular consequence: missense variant. On other transcripts: 3 prime UTR variant (1), non-coding transcript variant (1).
Genome position (GRCh38, 1-based): chr17:43,045,779, G>T on the plus strand (C>A on the coding strand, the complement: BRCA1 is on the minus strand). VCF-style: chr17-43045779-G-T. GRCh37 (hg19) VCF-style: chr17-41197796-G-T.
Other names: c.5347C>A, p.Pro1783Thr (NM_001407733.1, NM_001407734.1, NM_001407735.1 and 18 more transcripts); c.2053C>A, p.Pro685Thr (NM_001408450.1, NM_001408445.1, NM_001408446.1 and 2 more transcripts); c.2047C>A, p.Pro683Thr (NM_001408451.1); c.2041C>A, p.Pro681Thr (NM_001408452.1, NM_001408453.1, NM_001408454.1 and 3 more transcripts); c.2038C>A, p.Pro680Thr (NM_001408458.1, NM_001408459.1, NM_001408460.1 and 7 more transcripts); c.5491C>A, p.Pro1831Thr (NM_001407605.1, NM_001407593.1, NM_001407594.1 and 5 more transcripts); c.5488C>A, p.Pro1830Thr (NM_001407610.1, NM_001407611.1, NM_001407612.1 and 14 more transcripts); c.5485C>A, p.Pro1829Thr (NM_001407628.1, NM_001407629.1, NM_001407630.1 and 13 more transcripts); and 74 more; short protein forms P727T, P1784T, P1852T, P1831T, P639T, P683T, P687T, P688T.
Identifiers: ClinVar variation 864938 (VCV000864938.4), dbSNP rs768239314, ClinGen allele CA055216.